The following is an entry in ClinVar:

NM_005993.5(TBCD):c.1099G>T (p.Val367Phe)

Gene: TBCD (tubulin folding cofactor D). Cytogenetic location: 17q25.3.
Variant type: single nucleotide variant.
Coding change: c.1099G>T on transcript NM_005993.5 (MANE Select); coding-DNA position 1099, G replaced by T.
Protein change: p.Val367Phe; replaces valine 367 with phenylalanine.
Molecular consequence: missense variant.
Genome position (GRCh38, 1-based): chr17:82,807,619, G>T. VCF-style: chr17-82807619-G-T. GRCh37 (hg19) VCF-style: chr17-80765495-G-T.
Other names: short protein forms V367F.
Identifiers: ClinVar variation 1375232 (VCV001375232.6), dbSNP rs1272877059, ClinGen allele CA401620061.

ClinVar aggregate classification (germline): Uncertain significance (1 of 4 stars; one submission).

Allele frequency attached by ClinVar (database versions not stated): gnomAD exomes 0.00002.
gnomAD v4.1: 23 of 1,546,068 alleles (0.0015%); highest among the groups gnomAD compares: Non-Finnish European, 0.002%; no homozygotes.

Submission:

Labcorp Genetics (formerly Invitae), Labcorp
Classification: Uncertain significance. Last evaluated: 2022-07-26. Review status: criteria provided, single submitter. Criteria: Invitae Variant Classification Sherloc (09022015). Collection method: clinical testing. Allele origin: germline.
Comment: This sequence change replaces valine, which is neutral and non-polar, with phenylalanine, which is neutral and non-polar, at codon 367 of the TBCD protein (p.Val367Phe). The frequency data for this variant in the population databases is considered unreliable, as metrics indicate poor data quality at this position in the gnomAD database. This variant has not been reported in the literature in individuals affected with TBCD-related conditions. ClinVar contains an entry for this variant (Variation ID: 1375232). Algorithms developed to predict the effect of missense changes on protein structure and function (SIFT, PolyPhen-2, Align-GVGD) all suggest that this variant is likely to be tolerated. In summary, the available evidence is currently insufficient to determine the role of this variant in disease. Therefore, it has been classified as a Variant of Uncertain Significance.